The following is an entry in ClinVar:

NM_001037.5(SCN1B):c.401ACA[1] (p.Asn135del)

Gene: SCN1B (sodium voltage-gated channel beta subunit 1; plus strand). Cytogenetic location: 19q13.11.
Variant type: Microsatellite.
Coding change: c.401ACA[1] on transcript NM_001037.5 (MANE Select); one copy of the 3-base unit ACA starting at c.401; the reference has two copies in a row; one copy, 3 bases deleted.
Protein change: p.Asn135del; deletes asparagine 135.
Molecular consequence: inframe deletion.
Genome position (GRCh38, 1-based): chr19:35,033,695-35,033,697, ACA deleted; deleting any 3 consecutive bases within chr19:35,033,692-35,033,697 gives the same sequence; the position shown is the placement nearest the transcript's 3' end. VCF-style (leftmost placement, unchanged base first): chr19-35033691-CACA-C. GRCh37 (hg19) VCF-style: chr19-35524595-CACA-C.
Other names: c.302ACA[1], p.Asn102del (NM_001321605.2); c.401ACA[1], p.Asn135del (NM_199037.5); short protein forms N135del, N102del.
Identifiers: ClinVar variation 969565 (VCV000969565.10), dbSNP rs2064229476, ClinGen allele CA2333467050.

ClinVar aggregate classification (germline): Uncertain significance (1 of 4 stars; one submission).

Conditions:
Brugada syndrome 5 (BRGDA5). Identifiers: Orphanet 130, Orphanet 871, MedGen C2748541, MONDO:0013015, OMIM 612838.

Submission:

Labcorp Genetics (formerly Invitae), Labcorp
Classification: Uncertain significance for Brugada syndrome 5. Last evaluated: 2022-06-03. Review status: criteria provided, single submitter. Criteria: Invitae Variant Classification Sherloc (09022015). Collection method: clinical testing. Allele origin: germline.
Comment: This variant, c.404_406del, results in the deletion of 1 amino acid(s) of the SCN1B protein (p.Asn135del), but otherwise preserves the integrity of the reading frame. This variant is not present in population databases (gnomAD no frequency). This variant has not been reported in the literature in individuals affected with SCN1B-related conditions. ClinVar contains an entry for this variant (Variation ID: 969565). Experimental studies and prediction algorithms are not available or were not evaluated, and the functional significance of this variant is currently unknown. In summary, the available evidence is currently insufficient to determine the role of this variant in disease. Therefore, it has been classified as a Variant of Uncertain Significance.